The following is an entry in ClinVar:

NM_000216.4(ANOS1):c.171_174dup (p.Thr59fs)

Gene: ANOS1 (anosmin 1; minus strand). Cytogenetic location: Xp22.31.
Variant type: Duplication.
Coding change: c.171_174dup on transcript NM_000216.4 (MANE Select); coding-DNA positions 171 to 174, 4 bases duplicated (GATC; older notation c.171_174dupGATC).
Protein change: p.Thr59fs; shifts the reading frame from threonine 59.
Molecular consequence: frameshift variant.
Genome position (GRCh38, 1-based): chrX:8,731,863-8,731,866, GATC duplicated on the plus strand (GATC on the coding strand, the reverse complement: ANOS1 is on the minus strand). VCF-style (leftmost placement, unchanged base first): chrX-8731862-T-TGATC. GRCh37 (hg19) VCF-style: chrX-8699903-T-TGATC.
Other names: short protein forms T59fs.
Identifiers: ClinVar variation 975878 (VCV000975878.1), dbSNP rs1932981715, ClinGen allele CA1139667218.

ClinVar aggregate classification (germline): Likely pathogenic (1 of 4 stars; one submission).

Conditions:
Hypogonadotropic hypogonadism 1 with or without anosmia (HH1). Also called: HYPOGONADOTROPIC HYPOGONADISM 1 WITH ANOSMIA; KAL1-Related GnRH Deficiency (Kallmann Syndrome 1; Kallmann Syndrome, X-Linked); Hypogonadotropic hypogonadism 1 with or without anosmia (Kallmann syndrome 1); HYPOGONADOTROPIC HYPOGONADISM AND ANOSMIA; Kallmann syndrome, type 1, X-linked; DYSPLASIA OLFACTOGENITALIS OF DE MORSIER. Identifiers: Orphanet 478, MedGen C1563719, MONDO:0010635, OMIM 308700. Disease mechanism: loss of function.

Submission:

Institute of Human Genetics, University of Leipzig Medical Center
Classification: Likely pathogenic for Hypogonadotropic hypogonadism 1 with or without anosmia. Last evaluated: 2018-10-02. Review status: criteria provided, single submitter. Criteria: ACMG Guidelines, 2015. Collection method: clinical testing. Allele origin: germline. Affected: yes. Observed: 1 variant allele.
Comment: This variant was identified as hemizygous